The following is an entry in ClinVar:

NM_002742.3(PRKD1):c.628A>G (p.Thr210Ala)

Gene: PRKD1 (protein kinase D1; minus strand). Cytogenetic location: 14q12.
Variant type: single nucleotide variant.
Coding change: c.628A>G on transcript NM_002742.3 (MANE Select); coding-DNA position 628, A replaced by G.
Protein change: p.Thr210Ala; replaces threonine 210 with alanine.
Molecular consequence: missense variant.
Genome position (GRCh38, 1-based): chr14:29,663,767, T>C on the plus strand (A>G on the coding strand, the complement: PRKD1 is on the minus strand). VCF-style: chr14-29663767-T-C. GRCh37 (hg19) VCF-style: chr14-30132973-T-C.
Other names: c.628A>G, p.Thr210Ala (NM_001330069.2); c.340A>G, p.Thr114Ala (NM_001348390.1); short protein forms T114A, T210A.
Identifiers: ClinVar variation 3772581 (VCV003772581.13).

ClinVar aggregate classification (germline): Uncertain significance (1 of 4 stars; one submission).

gnomAD v4.1: 16 of 1,614,030 alleles (0.00099%); highest among the groups gnomAD compares: South Asian, 0.0022%; no homozygotes.

Submission:

CeGaT Center for Human Genetics Tuebingen
Classification: Uncertain significance. Last evaluated: 2025-02-01. Review status: criteria provided, single submitter. Criteria: CeGaT Center For Human Genetics Tuebingen Variant Classification Criteria Version 2. Collection method: clinical testing. Allele origin: germline. Affected: yes. Observed: 1 variant allele.
Comment: PRKD1: PM2